The following is an entry in ClinVar:

ClinVar aggregate classification (germline): Uncertain significance (1 of 4 stars; one submission).

Conditions:
Alpha thalassemia-X-linked intellectual disability syndrome (ATRX). Also called: ALPHA-THALASSEMIA/MENTAL RETARDATION SYNDROME, X-LINKED; ATR, NONDELETION TYPE; ATR-X syndrome; Alpha thalassemia mental retardation syndrome, nondeletion type, X-linked; XLMR hypotonic face syndrome; X-linked alpha-thalassemia-mental retardation syndrome. Identifiers: Orphanet 847, MedGen C1845055, MONDO:0010519, OMIM 301040.

Submission:

Labcorp Genetics (formerly Invitae), Labcorp
Classification: Uncertain significance for Alpha thalassemia-X-linked intellectual disability syndrome. Last evaluated: 2023-10-29. Review status: criteria provided, single submitter. Criteria: Invitae Variant Classification Sherloc (09022015). Collection method: clinical testing. Allele origin: germline.
Comment: This sequence change replaces isoleucine, which is neutral and non-polar, with threonine, which is neutral and polar, at codon 47 of the ATRX protein (p.Ile47Thr). This variant is not present in population databases (gnomAD no frequency). This variant has not been reported in the literature in individuals affected with ATRX-related conditions. Advanced modeling of protein sequence and biophysical properties (such as structural, functional, and spatial information, amino acid conservation, physicochemical variation, residue mobility, and thermodynamic stability) performed at Invitae indicates that this missense variant is not expected to disrupt ATRX protein function with a negative predictive value of 95%. In summary, the available evidence is currently insufficient to determine the role of this variant in disease. Therefore, it has been classified as a Variant of Uncertain Significance.

NM_000489.6(ATRX):c.140T>C (p.Ile47Thr)

Gene: ATRX (ATRX chromatin remodeler; minus strand). Cytogenetic location: Xq21.1.
Variant type: single nucleotide variant.
Coding change: c.140T>C on transcript NM_000489.6 (MANE Select); coding-DNA position 140, T replaced by C.
Protein change: p.Ile47Thr; replaces isoleucine 47 with threonine.
Molecular consequence: missense variant.
Genome position (GRCh38, 1-based): chrX:77,698,623, A>G on the plus strand (T>C on the coding strand, the complement: ATRX is on the minus strand). VCF-style: chrX-77698623-A-G. GRCh37 (hg19) VCF-style: chrX-76954111-A-G.
Other names: c.140T>C, p.Ile47Thr (NM_138270.5); short protein forms I47T.
Identifiers: ClinVar variation 2772617 (VCV002772617.3), dbSNP rs2520173485, ClinGen allele CA413724478.